The following is an entry in ClinVar:

NM_024642.5(GALNT12):c.317A>C (p.Tyr106Ser)

Gene: GALNT12 (polypeptide N-acetylgalactosaminyltransferase 12; plus strand). Cytogenetic location: 9q22.33.
Variant type: single nucleotide variant.
Coding change: c.317A>C on transcript NM_024642.5 (MANE Select); coding-DNA position 317, A replaced by C.
Protein change: p.Tyr106Ser; replaces tyrosine 106 with serine.
Molecular consequence: missense variant.
Genome position (GRCh38, 1-based): chr9:98,808,015, A>C. VCF-style: chr9-98808015-A-C. GRCh37 (hg19) VCF-style: chr9-101570297-A-C.
Other names: short protein forms Y106S.
Identifiers: ClinVar variation 3227944 (VCV003227944.1), dbSNP rs777089837, ClinGen allele CA374222908.

ClinVar aggregate classification (germline): Uncertain significance (1 of 4 stars; one submission).

Submission:

Ambry Genetics
Classification: Uncertain significance. Last evaluated: 2023-12-05. Review status: criteria provided, single submitter. Criteria: Ambry Variant Classification Scheme 2023. Collection method: clinical testing. Allele origin: germline.
Comment: The p.Y106S variant (also known as c.317A>C), located in coding exon 1 of the GALNT12 gene, results from an A to C substitution at nucleotide position 317. The tyrosine at codon 106 is replaced by serine, an amino acid with dissimilar properties. This amino acid position is conserved. In addition, the in silico prediction for this alteration is inconclusive. Since supporting evidence is limited at this time, the clinical significance of this alteration remains unclear.